The following is an entry in ClinVar:

ClinVar aggregate classification (germline): Uncertain significance. Review status: criteria provided, multiple submitters, no conflicts (2 of 4 stars). 4 submissions from 4 submitters: Uncertain significance (4). Last evaluated 2025-08-11.

Conditions:
Inborn genetic diseases. Identifiers: MedGen C0950123, MeSH D030342.
Developmental and epileptic encephalopathy, 23 (DEE23). Also called: Epileptic encephalopathy, early infantile, 23. Identifiers: Orphanet 411986, MedGen C4014492, MONDO:0014371, OMIM 615859.

Allele frequency attached by ClinVar (database versions not stated): TOPMed 0.00001; ExAC 0.00002; gnomAD exomes 0.00002; ESP Exome Variant Server 0.00008.
gnomAD v4.1: 27 of 1,613,674 alleles (0.0017%); highest among the groups gnomAD compares: East Asian, 0.0045%; no homozygotes.

Submissions (4):

GeneDx
Classification: Uncertain significance. Last evaluated: 2025-08-11. Review status: criteria provided, single submitter. Criteria: GeneDx Variant Classification Process June 2021. Collection method: clinical testing. Allele origin: germline. Affected: yes.
Comment: Not observed at significant frequency in large population cohorts (gnomAD); In silico analysis supports that this missense variant has a deleterious effect on protein structure/function; Has not been previously published as pathogenic or benign to our knowledge

Ambry Genetics
Classification: Uncertain significance for Inborn genetic diseases. Last evaluated: 2023-04-13. Review status: criteria provided, single submitter. Criteria: Ambry Variant Classification Scheme 2023. Collection method: clinical testing. Allele origin: germline.

Genome-Nilou Lab
Classification: Uncertain significance for Developmental and epileptic encephalopathy, 23. Last evaluated: 2023-04-11. Review status: criteria provided, single submitter. Criteria: ACMG Guidelines, 2015. Collection method: clinical testing. Allele origin: germline. Affected: no.

Labcorp Genetics (formerly Invitae), Labcorp
Classification: Uncertain significance for Developmental and epileptic encephalopathy, 23. Last evaluated: 2020-06-05. Review status: criteria provided, single submitter. Criteria: Invitae Variant Classification Sherloc (09022015). Collection method: clinical testing. Allele origin: germline.
Comment: In summary, the available evidence is currently insufficient to determine the role of this variant in disease. Therefore, it has been classified as a Variant of Uncertain Significance. Algorithms developed to predict the effect of missense changes on protein structure and function (SIFT, PolyPhen-2, Align-GVGD) all suggest that this variant is likely to be tolerated, but these predictions have not been confirmed by published functional studies and their clinical significance is uncertain. This variant has not been reported in the literature in individuals with DOCK7-related disease. This variant is present in population databases (rs369056481, ExAC 0.006%). This sequence change replaces proline with leucine at codon 1227 of the DOCK7 protein (p.Pro1227Leu). The proline residue is moderately conserved and there is a moderate physicochemical difference between proline and leucine.

NM_001367561.1(DOCK7):c.3680C>T (p.Pro1227Leu)

Gene: DOCK7 (dedicator of cytokinesis 7; minus strand). Cytogenetic location: 1p31.3.
Variant type: single nucleotide variant.
Coding change: c.3680C>T on transcript NM_001367561.1 (MANE Select); coding-DNA position 3680, C replaced by T.
Protein change: p.Pro1227Leu; replaces proline 1227 with leucine.
Molecular consequence: missense variant.
Genome position (GRCh38, 1-based): chr1:62,529,378, G>A on the plus strand (C>T on the coding strand, the complement: DOCK7 is on the minus strand). VCF-style: chr1-62529378-G-A. GRCh37 (hg19) VCF-style: chr1-62995049-G-A.
Other names: c.3680C>T, p.Pro1227Leu (NM_001271999.2, NM_001330614.2); c.3587C>T, p.Pro1196Leu (NM_001272000.2, NM_001272001.2, NM_033407.4); c.3587C>T (NM_033407.2); short protein forms P1196L, P1227L.
Identifiers: ClinVar variation 954582 (VCV000954582.11), dbSNP rs369056481, ClinGen allele CA885919.